The following is an entry in ClinVar:

ClinVar aggregate classification (germline): Conflicting classifications of pathogenicity. Review status: criteria provided, conflicting classifications (1 of 4 stars). 4 submissions from 4 submitters: Uncertain significance (3); Likely benign (1). Last evaluated 2026-01-16.

Conditions:
Inborn genetic diseases. Identifiers: MedGen C0950123, MeSH D030342.
Myopathy, centronuclear, 2 (CNM2). Also called: MYOTUBULAR MYOPATHY, AUTOSOMAL RECESSIVE. Identifiers: Orphanet 169186, MedGen CN031787, MONDO:0009709, OMIM 255200.

Allele frequency attached by ClinVar (database versions not stated): gnomAD exomes 0.00002 and 0.00003; ExAC 0.00005; gnomAD 0.00005 and 0.00006; TOPMed 0.00005.
gnomAD v4.1: 37 of 1,609,442 alleles (0.0023%); highest among the groups gnomAD compares: Middle Eastern, 0.033%; 1 homozygote.

Submissions (4):

Labcorp Genetics (formerly Invitae), Labcorp
Classification: Uncertain significance for Myopathy, centronuclear, 2. Last evaluated: 2026-01-16. Review status: criteria provided, single submitter. Criteria: Invitae Variant Classification Sherloc (09022015). Collection method: clinical testing. Allele origin: germline.
Comment: This sequence change replaces asparagine, which is neutral and polar, with serine, which is neutral and polar, at codon 264 of the BIN1 protein (p.Asn264Ser). This variant is present in population databases (rs766319258, gnomAD 0.02%). This variant has not been reported in the literature in individuals affected with BIN1-related conditions. ClinVar contains an entry for this variant (Variation ID: 892742). Invitae Evidence Modeling of protein sequence and biophysical properties (such as structural, functional, and spatial information, amino acid conservation, physicochemical variation, residue mobility, and thermodynamic stability) indicates that this missense variant is not expected to disrupt BIN1 protein function with a negative predictive value of 80%. In summary, the available evidence is currently insufficient to determine the role of this variant in disease. Therefore, it has been classified as a Variant of Uncertain Significance.

Blueprint Genetics
Classification: Likely benign. Last evaluated: 2024-09-09. Review status: criteria provided, single submitter. Criteria: ACMG Guidelines, 2015. Collection method: clinical testing. Allele origin: germline.

Ambry Genetics
Classification: Uncertain significance for Inborn genetic diseases. Last evaluated: 2022-04-25. Review status: criteria provided, single submitter. Criteria: Ambry Variant Classification Scheme 2023. Collection method: clinical testing. Allele origin: germline.

Illumina Laboratory Services, Illumina
Classification: Uncertain significance for Myopathy, centronuclear, 2. Last evaluated: 2018-01-13. Review status: criteria provided, single submitter. Criteria: ICSL Variant Classification Criteria 13 December 2019. Collection method: clinical testing. Allele origin: germline.

NM_139343.3(BIN1):c.791A>G (p.Asn264Ser)

Gene: BIN1 (bridging integrator 1; minus strand). Cytogenetic location: 2q14.3.
Variant type: single nucleotide variant.
Coding change: c.791A>G on transcript NM_139343.3 (MANE Select); coding-DNA position 791, A replaced by G.
Protein change: p.Asn264Ser; replaces asparagine 264 with serine.
Molecular consequence: missense variant.
Genome position (GRCh38, 1-based): chr2:127,062,181, T>C on the plus strand (A>G on the coding strand, the complement: BIN1 is on the minus strand). VCF-style: chr2-127062181-T-C. GRCh37 (hg19) VCF-style: chr2-127819757-T-C.
Other names: c.698A>G, p.Asn233Ser (NM_001320632.2, NM_001320641.2, NM_004305.4 and 6 more transcripts); c.791A>G, p.Asn264Ser (NM_001320633.2, NM_001320640.2, NM_139344.3 and 1 more transcripts); c.626A>G, p.Asn209Ser (NM_001320634.1); c.710A>G, p.Asn237Ser (NM_001320642.1); short protein forms N209S, N237S, N264S, N233S.
Identifiers: ClinVar variation 892742 (VCV000892742.15), dbSNP rs766319258, ClinGen allele CA1857322.